The following is an entry in ClinVar:

ClinVar aggregate classification (germline): Benign/Likely benign. Review status: criteria provided, multiple submitters, no conflicts (2 of 4 stars). 7 submissions from 7 submitters: Benign (4); Likely benign (1). 2 of the submissions do not count toward it. Last evaluated 2026-07-13.

Conditions:
ARHGEF10-related disorder. Also called: ARHGEF10-related condition.

Allele frequency attached by ClinVar (database versions not stated): 1000 Genomes Project 30x 0.00078; 1000 Genomes Project 0.00100; TOPMed 0.00174; gnomAD 0.00212; ExAC 0.00263; ESP Exome Variant Server 0.00331.
gnomAD v4.1: 6,108 of 1,613,718 alleles (0.38%); highest among the groups gnomAD compares: Non-Finnish European, 0.45%; 23 homozygotes.

Submissions (7):

PreventionGenetics, part of Exact Sciences
Classification: Benign for ARHGEF10-related condition. Last evaluated: 2026-07-13. Review status: criteria provided, single submitter. Criteria: ACMG Guidelines, 2015. Collection method: clinical testing. Allele origin: germline.
Comment: This variant is classified as benign based on ACMG/AMP sequence variant interpretation guidelines (Richards et al. 2015 PMID: 25741868, with internal and published modifications).

Women's Health and Genetics/Laboratory Corporation of America, LabCorp
Classification: Benign. Last evaluated: 2026-03-09. Review status: criteria provided, single submitter. Criteria: LabCorp Variant Classification Summary - May 2015. Collection method: clinical testing. Allele origin: germline.

Labcorp Genetics (formerly Invitae), Labcorp
Classification: Benign. Last evaluated: 2026-01-12. Review status: criteria provided, single submitter. Criteria: Invitae Variant Classification Sherloc (09022015). Collection method: clinical testing. Allele origin: germline.

Blueprint Genetics
Classification: Likely benign. Last evaluated: 2024-11-27. Review status: criteria provided, single submitter. Criteria: ACMG Guidelines, 2015. Collection method: clinical testing. Allele origin: germline.

Breakthrough Genomics
Classification: Benign. Review status: criteria provided, single submitter. Criteria: ACMG Guidelines, 2015. Collection method: not provided. Allele origin: germline. Inheritance: Autosomal dominant inheritance. Affected: yes.

Clinical Genetics DNA and cytogenetics Diagnostics Lab, Erasmus MC, Erasmus Medical Center
Classification: Likely benign. Review status: no assertion criteria provided. Collection method: clinical testing. Allele origin: germline. Affected: yes. Study: VKGL Data-share Consensus. Not counted in ClinVar's aggregate classification.

Clinical Genetics, Academic Medical Center
Classification: Benign. Review status: no assertion criteria provided. Collection method: clinical testing. Allele origin: germline. Affected: yes. Study: VKGL Data-share Consensus. Not counted in ClinVar's aggregate classification.

NM_014629.4(ARHGEF10):c.1440+10C>T

Gene: ARHGEF10 (Rho guanine nucleotide exchange factor 10; plus strand). Cytogenetic location: 8p23.3.
Variant type: single nucleotide variant.
Coding change: c.1440+10C>T on transcript NM_014629.4 (MANE Select); 10 bases into the intron after coding-DNA position 1440, C replaced by T.
Molecular consequence: intron variant.
Genome position (GRCh38, 1-based): chr8:1,894,582, C>T. VCF-style: chr8-1894582-C-T. GRCh37 (hg19) VCF-style: chr8-1842748-C-T.
Other names: c.1326+10C>T (NM_001438092.1, NM_001308152.2, NM_001438094.1); c.1443+10C>T (NM_001438091.1, NM_001308153.3); c.1323+10C>T (NM_001438093.1).
Identifiers: ClinVar variation 774667 (VCV000774667.15), dbSNP rs189787883, ClinGen allele CA4600362.